The following is an entry in ClinVar:

NM_000170.3(GLDC):c.1401A>G (p.Thr467=)

Gene: GLDC (glycine decarboxylase; minus strand). Cytogenetic location: 9p24.1.
Variant type: single nucleotide variant.
Coding change: c.1401A>G on transcript NM_000170.3 (MANE Select); coding-DNA position 1401, A replaced by G.
Protein change: p.Thr467=; no amino-acid change (threonine 467 retained).
Molecular consequence: synonymous variant.
Genome position (GRCh38, 1-based): chr9:6,592,851, T>C on the plus strand (A>G on the coding strand, the complement: GLDC is on the minus strand). VCF-style: chr9-6592851-T-C. GRCh37 (hg19) VCF-style: chr9-6592851-T-C.
Identifiers: ClinVar variation 1515779 (VCV001515779.5), dbSNP rs1818402760, ClinGen allele CA463594952.

ClinVar aggregate classification (germline): Uncertain significance (1 of 4 stars; one submission).

Conditions:
Glycine encephalopathy. Also called: Nonketotic hyperglycinemia; Non-ketotic hyperglycinemia. Identifiers: Orphanet 407, MedGen C0751748, MONDO:0011612, HP:0008288.

Allele frequency attached by ClinVar (database versions not stated): gnomAD 0.00001.
gnomAD v4.1: 1 of 1,612,728 alleles (0.000062%); highest among the groups gnomAD compares: Admixed American, 0.0017%; no homozygotes.

Submission:

Labcorp Genetics (formerly Invitae), Labcorp
Classification: Uncertain significance for Glycine encephalopathy. Last evaluated: 2021-08-13. Review status: criteria provided, single submitter. Criteria: Invitae Variant Classification Sherloc (09022015). Collection method: clinical testing. Allele origin: germline.
Comment: This sequence change affects codon 467 of the GLDC mRNA. It is a 'silent' change, meaning that it does not change the encoded amino acid sequence of the GLDC protein. It affects a nucleotide within the consensus splice site of the intron. This variant is not present in population databases (ExAC no frequency). This variant has not been reported in the literature in individuals affected with GLDC-related conditions. Algorithms developed to predict the effect of sequence changes on RNA splicing suggest that this variant may create or strengthen a splice site. In summary, the available evidence is currently insufficient to determine the role of this variant in disease. Therefore, it has been classified as a Variant of Uncertain Significance.